The following is an entry in ClinVar:

NM_015937.6(PIGT):c.1421T>C (p.Leu474Pro)

Gene: PIGT (phosphatidylinositol glycan anchor biosynthesis class T; plus strand). Cytogenetic location: 20q13.12.
Variant type: single nucleotide variant.
Coding change: c.1421T>C on transcript NM_015937.6 (MANE Select); coding-DNA position 1421, T replaced by C.
Protein change: p.Leu474Pro; replaces leucine 474 with proline.
Molecular consequence: missense variant. On other transcripts: non-coding transcript variant (5).
Genome position (GRCh38, 1-based): chr20:45,424,516, T>C. VCF-style: chr20-45424516-T-C. GRCh37 (hg19) VCF-style: chr20-44053156-T-C.
Other names: c.1253T>C, p.Leu418Pro (NM_001184728.3); c.1220T>C, p.Leu407Pro (NM_001184729.3); c.1115T>C, p.Leu372Pro (NM_001184730.3); short protein forms L372P, L418P, L474P, L407P.
Identifiers: ClinVar variation 1361167 (VCV001361167.6), dbSNP rs2145470280, ClinGen allele CA409170750.
Genomic context (GRCh38, chr20:45,424,516, plus strand): 5'-GCCAGATGGGAACACGGGCCATCTCTCTGCTTCTCTGTAGCCCATCTGTCCTCAGCGCCC[T>C]TGTGCCCAGCATGGTAGCAGCCAAGCCAGTGGACTGGGAAGAGAGTCCCCTCTTCAACAG-3'
Protein context (NP_057021.2, residues 464-484): FYVSPSVLSA[Leu474Pro]VPSMVAAKPV

ClinVar aggregate classification (germline): Uncertain significance (1 of 4 stars; one submission).

Conditions:
Multiple congenital anomalies-hypotonia-seizures syndrome 3 (MCAHS3). Also called: GLYCOSYLPHOSPHATIDYLINOSITOL BIOSYNTHESIS DEFECT 7. Identifiers: Orphanet 369837, MedGen C3809356, MONDO:0014165, OMIM 615398.

Submission:

Labcorp Genetics (formerly Invitae), Labcorp
Classification: Uncertain significance for Multiple congenital anomalies-hypotonia-seizures syndrome 3. Last evaluated: 2024-10-29. Review status: criteria provided, single submitter. Criteria: Invitae Variant Classification Sherloc (09022015). Collection method: clinical testing. Allele origin: germline.
Comment: This sequence change replaces leucine, which is neutral and non-polar, with proline, which is neutral and non-polar, at codon 474 of the PIGT protein (p.Leu474Pro). This variant is not present in population databases (gnomAD no frequency). This variant has not been reported in the literature in individuals affected with PIGT-related conditions. ClinVar contains an entry for this variant (Variation ID: 1361167). Invitae Evidence Modeling of protein sequence and biophysical properties (such as structural, functional, and spatial information, amino acid conservation, physicochemical variation, residue mobility, and thermodynamic stability) indicates that this missense variant is not expected to disrupt PIGT protein function with a negative predictive value of 95%. In summary, the available evidence is currently insufficient to determine the role of this variant in disease. Therefore, it has been classified as a Variant of Uncertain Significance.